The following is an entry in ClinVar:

ClinVar aggregate classification (germline): Uncertain significance (1 of 4 stars; one submission).

Submission:

Greenwood Genetic Center Diagnostic Laboratories, Greenwood Genetic Center
Classification: Uncertain significance. Last evaluated: 2023-10-25. Review status: criteria provided, single submitter. Criteria: ACMG Guidelines, 2015. Collection method: clinical testing. Allele origin: germline. Affected: yes.
Comment: PM2

NM_003128.3(SPTBN1):c.4997+5G>C

Gene: SPTBN1 (spectrin beta, non-erythrocytic 1; plus strand). Cytogenetic location: 2p16.2.
Variant type: single nucleotide variant.
Coding change: c.4997+5G>C on transcript NM_003128.3 (MANE Select); 5 bases into the intron after coding-DNA position 4997, G replaced by C.
Molecular consequence: intron variant.
Genome position (GRCh38, 1-based): chr2:54,647,266, G>C. VCF-style: chr2-54647266-G-C. GRCh37 (hg19) VCF-style: chr2-54874403-G-C.
Other names: c.4958+5G>C (NM_178313.3).
Identifiers: ClinVar variation 2692569 (VCV002692569.1), dbSNP rs2549559517, ClinGen allele CA2697548167.
Genomic context (GRCh38, chr2:54,647,266, plus strand): 5'-GTGCATCAGCTCTCCAAGACCAGCCGGGCCCTGGTGGCCGACAGCCATCCTGAAAGGTGA[G>C]CGCTGCTTCATGAGTGTGAGACCCGGCTCTCGATTCCTCTCAGTTAGGGTCTCTTGCTAA-3'